The following is an entry in ClinVar:

ClinVar aggregate classification (germline): Uncertain significance (1 of 4 stars; one submission).

Conditions:
Norman-Roberts syndrome (LIS2). Also called: Lissencephaly 2 (Norman-Roberts type). Identifiers: Orphanet 89844, MedGen C0796089, MONDO:0009760, OMIM 257320.
Familial temporal lobe epilepsy 7. Identifiers: Orphanet 101046, MedGen C4225327, MONDO:0014639, OMIM 616436.

Allele frequency attached by ClinVar (database versions not stated): gnomAD 0.00001; gnomAD exomes 0.00001; TOPMed 0.00001.
gnomAD v4.1: 6 of 1,613,994 alleles (0.00037%); highest among the groups gnomAD compares: Non-Finnish European, 0.00051%; no homozygotes.

Submission:

Labcorp Genetics (formerly Invitae), Labcorp
Classification: Uncertain significance for Familial temporal lobe epilepsy 7; Norman-Roberts syndrome. Last evaluated: 2023-09-03. Review status: criteria provided, single submitter. Criteria: Invitae Variant Classification Sherloc (09022015). Collection method: clinical testing. Allele origin: germline.
Comment: This sequence change replaces valine, which is neutral and non-polar, with aspartic acid, which is acidic and polar, at codon 167 of the RELN protein (p.Val167Asp). This variant is present in population databases (no rsID available, gnomAD 0.0009%). This variant has not been reported in the literature in individuals affected with RELN-related conditions. Advanced modeling of protein sequence and biophysical properties (such as structural, functional, and spatial information, amino acid conservation, physicochemical variation, residue mobility, and thermodynamic stability) performed at Invitae indicates that this missense variant is not expected to disrupt RELN protein function. In summary, the available evidence is currently insufficient to determine the role of this variant in disease. Therefore, it has been classified as a Variant of Uncertain Significance.

NM_005045.4(RELN):c.500T>A (p.Val167Asp)

Gene: RELN (reelin; minus strand). Cytogenetic location: 7q22.1.
Variant type: single nucleotide variant.
Coding change: c.500T>A on transcript NM_005045.4 (MANE Select); coding-DNA position 500, T replaced by A.
Protein change: p.Val167Asp; replaces valine 167 with aspartic acid.
Molecular consequence: missense variant.
Genome position (GRCh38, 1-based): chr7:103,776,601, A>T on the plus strand (T>A on the coding strand, the complement: RELN is on the minus strand). VCF-style: chr7-103776601-A-T. GRCh37 (hg19) VCF-style: chr7-103417048-A-T.
Other names: c.500T>A, p.Val167Asp (NM_173054.3); short protein forms V167D.
Identifiers: ClinVar variation 2922750 (VCV002922750.3), dbSNP rs1210042649, ClinGen allele CA368930572.